The following is an entry in ClinVar:

ClinVar aggregate classification (germline): Uncertain significance (1 of 4 stars; one submission).

Conditions:
Birt-Hogg-Dube syndrome. Also called: Birt Hogg Dubé syndrome. Identifiers: Orphanet 122, MedGen C0346010, MONDO:0800444.

Submission:

Labcorp Genetics (formerly Invitae), Labcorp
Classification: Uncertain significance for Birt-Hogg-Dube syndrome. Last evaluated: 2022-09-20. Review status: criteria provided, single submitter. Criteria: Invitae Variant Classification Sherloc (09022015). Collection method: clinical testing. Allele origin: germline.
Comment: This variant is not present in population databases (gnomAD no frequency). In summary, the available evidence is currently insufficient to determine the role of this variant in disease. Therefore, it has been classified as a Variant of Uncertain Significance. Advanced modeling of protein sequence and biophysical properties (such as structural, functional, and spatial information, amino acid conservation, physicochemical variation, residue mobility, and thermodynamic stability) performed at Invitae indicates that this missense variant is not expected to disrupt FLCN protein function. ClinVar contains an entry for this variant (Variation ID: 1503950). This variant has not been reported in the literature in individuals affected with FLCN-related conditions. This sequence change replaces isoleucine, which is neutral and non-polar, with leucine, which is neutral and non-polar, at codon 4 of the FLCN protein (p.Ile4Leu).

NM_144997.7(FLCN):c.10A>C (p.Ile4Leu)

Gene: FLCN (folliculin; minus strand). Cytogenetic location: 17p11.2.
Variant type: single nucleotide variant.
Coding change: c.10A>C on transcript NM_144997.7 (MANE Select); coding-DNA position 10, A replaced by C.
Protein change: p.Ile4Leu; replaces isoleucine 4 with leucine.
Molecular consequence: missense variant.
Genome position (GRCh38, 1-based): chr17:17,228,128, T>G on the plus strand (A>C on the coding strand, the complement: FLCN is on the minus strand). VCF-style: chr17-17228128-T-G. GRCh37 (hg19) VCF-style: chr17-17131442-T-G.
Other names: c.10A>C, p.Ile4Leu (NM_001353230.2, NM_001353231.2, NM_144606.7 and 1 more transcripts); short protein forms I4L.
Identifiers: ClinVar variation 1503950 (VCV001503950.8), dbSNP rs1555611575, ClinGen allele CA398535517.